The following is an entry in ClinVar:

ClinVar aggregate classification (germline): Conflicting classifications of pathogenicity. Review status: criteria provided, conflicting classifications (1 of 4 stars). 3 submissions from 3 submitters: Pathogenic (1); Likely pathogenic (1); Uncertain significance (1). Last evaluated 2025-08-15.

Conditions:
Mucopolysaccharidosis, MPS-IV-A (MPS4A). Also called: Morquio syndrome A, mild; MORQUIO SYNDROME A; GALACTOSAMINE-6-SULFATASE DEFICIENCY; GALNS DEFICIENCY; MORQUIO A DISEASE; Mucopolysaccharidosis type IV A. Identifiers: Orphanet 309297, Orphanet 582, MedGen C0086651, MONDO:0009659, OMIM 253000.

Allele frequency attached by ClinVar (database versions not stated): gnomAD exomes 0.00002; ExAC 0.00004; gnomAD 0.00018; TOPMed 0.00020; ESP Exome Variant Server 0.00046.
gnomAD v4.1: 51 of 1,614,040 alleles (0.0032%); highest among the groups gnomAD compares: African/African-American, 0.067%; no homozygotes.

Submissions (3):

Women's Health and Genetics/Laboratory Corporation of America, LabCorp
Classification: Uncertain significance. Last evaluated: 2025-08-15. Review status: criteria provided, single submitter. Criteria: LabCorp Variant Classification Summary - May 2015. Collection method: clinical testing. Allele origin: germline.
Comment: Variant summary: GALNS c.685T>C (p.Tyr229His) results in a conservative amino acid change located in the Sulfatase, N-terminal domain (IPR000917) of the encoded protein sequence. Algorithms developed to predict the effect of missense changes on protein structure and function are either unavailable or do not agree on the potential impact of this missense change. The variant allele was found at a frequency of 2.8e-05 in 251368 control chromosomes. The available data on variant occurrences in the general population are insufficient to allow any conclusion about variant significance. c.685T>C has been observed in at least one individual affected with Mucopolysaccharidosis Type IVA (Morquio Syndrome A)(internal data). These data do not allow any conclusion about variant significance. To our knowledge, no experimental evidence demonstrating an impact on protein function has been reported. ClinVar contains an entry for this variant (Variation ID: 2848279). Based on the evidence outlined above, the variant was classified as uncertain significance.

Fulgent Genetics
Classification: Likely pathogenic for Mucopolysaccharidosis, MPS-IV-A. Last evaluated: 2024-06-11. Review status: criteria provided, single submitter. Criteria: ACMG Guidelines, 2015. Collection method: clinical testing. Allele origin: germline.

Labcorp Genetics (formerly Invitae), Labcorp
Classification: Pathogenic for Mucopolysaccharidosis, MPS-IV-A. Last evaluated: 2023-10-05. Review status: criteria provided, single submitter. Criteria: Invitae Variant Classification Sherloc (09022015). Collection method: clinical testing. Allele origin: germline.
Comment: This sequence change replaces tyrosine, which is neutral and polar, with histidine, which is basic and polar, at codon 229 of the GALNS protein (p.Tyr229His). This variant is present in population databases (rs151165725, gnomAD 0.04%). This missense change has been observed in individual(s) with mucopolysaccharidosis IVA (Invitae). In at least one individual the data is consistent with being in trans (on the opposite chromosome) from a pathogenic variant. Advanced modeling of protein sequence and biophysical properties (such as structural, functional, and spatial information, amino acid conservation, physicochemical variation, residue mobility, and thermodynamic stability) performed at Invitae indicates that this missense variant is expected to disrupt GALNS protein function. For these reasons, this variant has been classified as Pathogenic.

NM_000512.5(GALNS):c.685T>C (p.Tyr229His)

Gene: GALNS (galactosamine (N-acetyl)-6-sulfatase; minus strand). Cytogenetic location: 16q24.3.
Variant type: single nucleotide variant.
Coding change: c.685T>C on transcript NM_000512.5 (MANE Select); coding-DNA position 685, T replaced by C.
Protein change: p.Tyr229His; replaces tyrosine 229 with histidine.
Molecular consequence: missense variant.
Genome position (GRCh38, 1-based): chr16:88,835,798, A>G on the plus strand (T>C on the coding strand, the complement: GALNS is on the minus strand). VCF-style: chr16-88835798-A-G. GRCh37 (hg19) VCF-style: chr16-88902206-A-G.
Other names: c.130T>C, p.Tyr44His (NM_001323543.2); c.703T>C, p.Tyr235His (NM_001323544.2); short protein forms Y229H, Y44H, Y235H.
Identifiers: ClinVar variation 2848279 (VCV002848279.7), dbSNP rs151165725, ClinGen allele CA8235030.